The following is an entry in ClinVar:

ClinVar aggregate classification (germline): Benign (1 of 4 stars; one submission).

Conditions:
Isolated Nonsyndromic Congenital Heart Disease.

Allele frequency attached by ClinVar (database versions not stated): gnomAD exomes 0.00001 and 0.00002; TOPMed 0.00001; ExAC 0.00002.
gnomAD v4.1: 4 of 1,613,188 alleles (0.00025%); highest among the groups gnomAD compares: East Asian, 0.0089%; no homozygotes.

Submission:

Illumina Laboratory Services, Illumina
Classification: Benign for Isolated Nonsyndromic Congenital Heart Disease. Last evaluated: 2018-01-13. Review status: criteria provided, single submitter. Criteria: ICSL Variant Classification Criteria 13 December 2019. Collection method: clinical testing. Allele origin: germline.
Comment: This variant was observed in the ICSL laboratory as part of a predisposition screen in an ostensibly healthy population. It had not been previously curated by ICSL or reported in the Human Gene Mutation Database (HGMD: prior to June 1st, 2018), and was therefore a candidate for classification through an automated scoring system. Utilizing variant allele frequency, disease prevalence and penetrance estimates, and inheritance mode, an automated score was calculated to assess if this variant is too frequent to cause the disease. Based on the score and internal cut-off values, a variant classified as benign is not then subjected to further curation. The score for this variant resulted in a classification of benign for this disease.

NM_000214.3(JAG1):c.282C>T (p.Phe94=)

Gene: JAG1 (jagged canonical Notch ligand 1; minus strand). Cytogenetic location: 20p12.2.
Variant type: single nucleotide variant.
Coding change: c.282C>T on transcript NM_000214.3 (MANE Select); coding-DNA position 282, C replaced by T.
Protein change: p.Phe94=; no amino-acid change (phenylalanine 94 retained).
Molecular consequence: synonymous variant.
Genome position (GRCh38, 1-based): chr20:10,672,806, G>A on the plus strand (C>T on the coding strand, the complement: JAG1 is on the minus strand). VCF-style: chr20-10672806-G-A. GRCh37 (hg19) VCF-style: chr20-10653454-G-A.
Other names: c.282C>T, p.Phe94= (LRG_1191t1).
Identifiers: ClinVar variation 337760 (VCV000337760.5), dbSNP rs772592163, ClinGen allele CA9765186.